The following is an entry in ClinVar:

ClinVar aggregate classification (germline): Uncertain significance (1 of 4 stars; one submission).

Conditions:
Hereditary pancreatitis (PCTT). Also called: PRSS1-Related Hereditary Pancreatitis; Hereditary chronic pancreatitis. Identifiers: Orphanet 676, MedGen C0238339, MONDO:0008185, OMIM 167800.

Allele frequency attached by ClinVar (database versions not stated): TOPMed below 0.00001; gnomAD 0.00001.
gnomAD v4.1: 1 of 1,614,100 alleles (0.000062%); highest among the groups gnomAD compares: Non-Finnish European, 0.000085%; no homozygotes.

Submission:

Ambry Genetics
Classification: Uncertain significance for Hereditary pancreatitis. Last evaluated: 2021-08-19. Review status: criteria provided, single submitter. Criteria: Ambry Variant Classification Scheme 2023. Collection method: clinical testing. Allele origin: germline.
Comment: The p.Y275C variant (also known as c.824A>G), located in coding exon 8 of the CPA1 gene, results from an A to G substitution at nucleotide position 824. The tyrosine at codon 275 is replaced by cysteine, an amino acid with highly dissimilar properties. This amino acid position is conserved. In addition, the in silico prediction for this alteration is inconclusive. Since supporting evidence is limited at this time, the clinical significance of this alteration remains unclear.

NM_001868.4(CPA1):c.824A>G (p.Tyr275Cys)

Gene: CPA1 (carboxypeptidase A1; plus strand). Cytogenetic location: 7q32.2.
Variant type: single nucleotide variant.
Coding change: c.824A>G on transcript NM_001868.4 (MANE Select); coding-DNA position 824, A replaced by G.
Protein change: p.Tyr275Cys; replaces tyrosine 275 with cysteine.
Molecular consequence: missense variant.
Genome position (GRCh38, 1-based): chr7:130,385,182, A>G. VCF-style: chr7-130385182-A-G. GRCh37 (hg19) VCF-style: chr7-130025023-A-G.
Other names: short protein forms Y275C.
Identifiers: ClinVar variation 1762616 (VCV001762616.2), dbSNP rs1414231138, ClinGen allele CA369283322.